The following is an entry in ClinVar:

NM_001001957.2(OR2W3):c.100G>A (p.Ala34Thr)

Gene: OR2W3 (olfactory receptor family 2 subfamily W member 3; plus strand). Cytogenetic location: 1q44.
Variant type: single nucleotide variant.
Coding change: c.100G>A on transcript NM_001001957.2 (MANE Select); coding-DNA position 100, G replaced by A.
Protein change: p.Ala34Thr; replaces alanine 34 with threonine.
Molecular consequence: missense variant.
Genome position (GRCh38, 1-based): chr1:247,895,686, G>A. VCF-style: chr1-247895686-G-A. GRCh37 (hg19) VCF-style: chr1-248058988-G-A.
Other names: short protein forms A34T.
Identifiers: ClinVar variation 1360543 (VCV001360543.7), dbSNP rs148268889, ClinGen allele CA1498511.

ClinVar aggregate classification (germline): Uncertain significance. Review status: criteria provided, multiple submitters, no conflicts (2 of 4 stars). 2 submissions from 2 submitters: Uncertain significance (2). Last evaluated 2025-10-01.

Allele frequency attached by ClinVar (database versions not stated): gnomAD 0.00009; TOPMed 0.00012; ExAC 0.00013; gnomAD exomes 0.00013; 1000 Genomes Project 30x 0.00016; 1000 Genomes Project 0.00020; ESP Exome Variant Server 0.00046.

Submissions (2):

Labcorp Genetics (formerly Invitae), Labcorp
Classification: Uncertain significance. Last evaluated: 2025-10-01. Review status: criteria provided, single submitter. Criteria: Invitae Variant Classification Sherloc (09022015). Collection method: clinical testing. Allele origin: germline.
Comment: This sequence change replaces alanine, which is neutral and non-polar, with threonine, which is neutral and polar, at codon 34 of the OR2W3 protein (p.Ala34Thr). This variant is present in population databases (rs148268889, gnomAD 0.02%). This variant has not been reported in the literature in individuals affected with OR2W3-related conditions. ClinVar contains an entry for this variant (Variation ID: 1360543). An algorithm developed to predict the effect of missense changes on protein structure and function (PolyPhen-2) suggests that this variant is likely to be disruptive. In summary, the available evidence is currently insufficient to determine the role of this variant in disease. Therefore, it has been classified as a Variant of Uncertain Significance.

Ambry Genetics
Classification: Uncertain significance. Last evaluated: 2021-10-18. Review status: criteria provided, single submitter. Criteria: Ambry Variant Classification Scheme 2023. Collection method: clinical testing. Allele origin: germline.